The following is an entry in ClinVar:

NM_139318.5(KCNH5):c.476G>C (p.Ser159Thr)

Gene: KCNH5 (potassium voltage-gated channel subfamily H member 5; minus strand). Cytogenetic location: 14q23.2.
Variant type: single nucleotide variant.
Coding change: c.476G>C on transcript NM_139318.5 (MANE Select); coding-DNA position 476, G replaced by C.
Protein change: p.Ser159Thr; replaces serine 159 with threonine.
Molecular consequence: missense variant.
Genome position (GRCh38, 1-based): chr14:62,987,145, C>G on the plus strand (G>C on the coding strand, the complement: KCNH5 is on the minus strand). VCF-style: chr14-62987145-C-G. GRCh37 (hg19) VCF-style: chr14-63453863-C-G.
Other names: c.476G>C, p.Ser159Thr (NM_172375.3); short protein forms S159T.
Identifiers: ClinVar variation 1393642 (VCV001393642.7), dbSNP rs759714263, ClinGen allele CA7217657.

ClinVar aggregate classification (germline): Uncertain significance (1 of 4 stars; one submission).

Conditions:
Early-infantile DEE. Also called: Early infantile epileptic encephalopathy with suppression bursts; Early infantile epileptic encephalopathy; Ohtahara syndrome. Identifiers: Orphanet 1934, MedGen C0393706, MONDO:0800491.

Allele frequency attached by ClinVar (database versions not stated): gnomAD exomes below 0.00001; ExAC 0.00001.
gnomAD v4.1: 1 of 1,613,578 alleles (0.000062%); highest among the groups gnomAD compares: Non-Finnish European, 0.000085%; no homozygotes.

Submission:

Labcorp Genetics (formerly Invitae), Labcorp
Classification: Uncertain significance for Early-infantile DEE. Last evaluated: 2021-11-16. Review status: criteria provided, single submitter. Criteria: Invitae Variant Classification Sherloc (09022015). Collection method: clinical testing. Allele origin: germline.
Comment: This variant has not been reported in the literature in individuals affected with KCNH5-related conditions. In summary, the available evidence is currently insufficient to determine the role of this variant in disease. Therefore, it has been classified as a Variant of Uncertain Significance. Advanced modeling of protein sequence and biophysical properties (such as structural, functional, and spatial information, amino acid conservation, physicochemical variation, residue mobility, and thermodynamic stability) performed at Invitae indicates that this missense variant is not expected to disrupt KCNH5 protein function. This variant is present in population databases (rs759714263, gnomAD 0.0009%). This sequence change replaces serine, which is neutral and polar, with threonine, which is neutral and polar, at codon 159 of the KCNH5 protein (p.Ser159Thr).